The following is an entry in ClinVar:

ClinVar aggregate classification (germline): Pathogenic (1 of 4 stars; one submission).

Conditions:
Farber lipogranulomatosis (FRBRL). Also called: AC DEFICIENCY; ACID CERAMIDASE DEFICIENCY; CERAMIDASE DEFICIENCY; N-LAURYLSPHINGOSINE DEACYLASE DEFICIENCY; Farber's lipogranulomatosis; Farber's disease. Identifiers: Orphanet 333, MedGen C0268255, MONDO:0009218, OMIM 228000.

Allele frequency attached by ClinVar (database versions not stated): gnomAD exomes below 0.00001.

Submission:

Medical Affairs, Dicerna Pharmaceuticals
Classification: Pathogenic for Farber lipogranulomatosis. Last evaluated: 2019-07-01. Review status: criteria provided, single submitter. Criteria: ACMG Guidelines, 2015. Collection method: literature only. Allele origin: maternal. Inheritance: Autosomal recessive inheritance. Affected: yes. Observed: 1 variant allele.
Comment: Variant c.256_257InsA has been defined as pathogenic. Histology of subcutaneous nodules showed the presence of foamy (lipid-filled) macrophages consistent with Farber disease. DNA sequencing revealed compound heterozygous ASAH1 variants, c.256_257insA and c.314T>C. Variant c.256_257insA resulting in protein termination at position 86. Truncation of the protein renders the acid ceramidase enzyme inactive.

Literature cited by the submitters: DOI 10.3760/cma.j.issn.0578-1310.2017.01.011.

NM_177924.5(ASAH1):c.256dup (p.Thr86fs)

Gene: ASAH1 (N-acylsphingosine amidohydrolase 1; minus strand). Cytogenetic location: 8p22.
Variant type: Duplication.
Coding change: c.256dup on transcript NM_177924.5 (MANE Select); coding-DNA position 256, one base duplicated (A; older notation c.256dupA).
Protein change: p.Thr86fs; shifts the reading frame from threonine 86.
Molecular consequence: frameshift variant. On other transcripts: intron variant (1).
Genome position (GRCh38, 1-based): chr8:18,069,839, T duplicated on the plus strand (A on the coding strand, the reverse complement: ASAH1 is on the minus strand). VCF-style (leftmost placement, unchanged base first): chr8-18069838-G-GT. GRCh37 (hg19) VCF-style: chr8-17927347-G-GT.
Other names: c.61dup, p.Thr21fs (NM_001363743.2); c.304dup, p.Thr102fs (NM_004315.6); c.285+1461dup (NM_001127505.3); c.256_257insA (NM_177924.5); short protein forms T21fs, T86fs, T102fs.
Identifiers: ClinVar variation 812502 (VCV000812502.1), dbSNP rs1336696568, ClinGen allele CA580092784.